The following is an entry in ClinVar:

ClinVar aggregate classification (germline): Uncertain significance (1 of 4 stars; one submission).

Conditions:
Inborn genetic diseases. Identifiers: MedGen C0950123, MeSH D030342.

Submission:

Ambry Genetics
Classification: Uncertain significance for Inborn genetic diseases. Last evaluated: 2025-11-25. Review status: criteria provided, single submitter. Criteria: Ambry Variant Classification Scheme 2023. Collection method: clinical testing. Allele origin: germline.
Comment: The p.H31P variant (also known as c.92A>C), located in coding exon 1 of the GATA2 gene, results from an A to C substitution at nucleotide position 92. The histidine at codon 31 is replaced by proline, an amino acid with similar properties. This amino acid position is conserved. In addition, this alteration is predicted to be deleterious by in silico analysis. Based on the available evidence, the clinical significance of this variant remains unclear.

NM_032638.5(GATA2):c.92A>C (p.His31Pro)

Gene: GATA2 (GATA binding protein 2; minus strand). Cytogenetic location: 3q21.3.
Variant type: single nucleotide variant.
Coding change: c.92A>C on transcript NM_032638.5 (MANE Select); coding-DNA position 92, A replaced by C.
Protein change: p.His31Pro; replaces histidine 31 with proline.
Molecular consequence: missense variant.
Genome position (GRCh38, 1-based): chr3:128,486,940, T>G on the plus strand (A>C on the coding strand, the complement: GATA2 is on the minus strand). VCF-style: chr3-128486940-T-G. GRCh37 (hg19) VCF-style: chr3-128205783-T-G.
Other names: c.92A>C, p.His31Pro (NM_001145661.2, NM_001145662.1); short protein forms H31P.
Identifiers: ClinVar variation 4620643 (VCV004620643.1).